The following is an entry in ClinVar:

ClinVar aggregate classification (germline): Conflicting classifications of pathogenicity. Review status: criteria provided, conflicting classifications (1 of 4 stars). 3 submissions from 3 submitters: Uncertain significance (1); Likely benign (2). Last evaluated 2025-06-02.

Conditions:
Catecholaminergic polymorphic ventricular tachycardia (CVPT). Also called: Catecholamine-induced polymorphic ventricular tachycardia. Identifiers: Orphanet 3286, MedGen C5574922, MONDO:0017990.
Cardiomyopathy (CMYO). Also called: Cardiomyopathies. Identifiers: Orphanet 167848, MedGen C0878544, MONDO:0004994, HP:0001638. Inheritance: Various modes of inheritance.
Catecholaminergic polymorphic ventricular tachycardia 1. Also called: VENTRICULAR TACHYCARDIA, CATECHOLAMINERGIC POLYMORPHIC, 1, WITH OR WITHOUT ATRIAL DYSFUNCTION AND/OR DILATED CARDIOMYOPATHY; RYR2-Related Catecholaminergic Polymorphic Ventricular Tachycardia; VENTRICULAR TACHYCARDIA, STRESS-INDUCED POLYMORPHIC 1. Identifiers: Orphanet 3286, MedGen C1631597, MONDO:0011484, OMIM 604772.

gnomAD v4.1: 2 of 1,601,732 alleles (0.00012%); highest among the groups gnomAD compares: Non-Finnish European, 0.00017%; no homozygotes.

Submissions (3):

Color Diagnostics, LLC DBA Color Health
Classification: Likely benign for Cardiomyopathy. Last evaluated: 2025-06-02. Review status: criteria provided, single submitter. Criteria: ACMG Guidelines, 2015. Collection method: clinical testing. Allele origin: germline.

All of Us Research Program, National Institutes of Health
Classification: Uncertain significance for Catecholaminergic polymorphic ventricular tachycardia. Last evaluated: 2023-04-28. Review status: criteria provided, single submitter. Criteria: ACMG Guidelines, 2015. Collection method: clinical testing. Allele origin: germline. Inheritance: Autosomal dominant inheritance. Observed: 3 variant alleles, 3 heterozygotes.
Comment: This variant causes a C to A nucleotide substitution at the -5 position of intron 3 of the RYR2 gene. Splice prediction tools and conservation analysis are inconclusive regarding the impact of this variant on RNA splicing. To our knowledge, functional studies have not been reported for this variant. This variant has not been reported in individuals affected with RYR2-related disorders in the literature. This variant has not been identified in the general population by the Genome Aggregation Database (gnomAD). The available evidence is insufficient to determine the role of this variant in disease conclusively. Therefore, this variant is classified as a Variant of Uncertain Significance.

This study involves interpretation of variants in research participants for the purpose of population health screening. Participant phenotype was not available at the time of variant classification. Additional details can be found in publication PMID: 35346344, PMCID: PMC8962531

Labcorp Genetics (formerly Invitae), Labcorp
Classification: Likely benign for Catecholaminergic polymorphic ventricular tachycardia 1. Last evaluated: 2020-08-09. Review status: criteria provided, single submitter. Criteria: Invitae Variant Classification Sherloc (09022015). Collection method: clinical testing. Allele origin: germline.

NM_001035.3(RYR2):c.274-5C>A

Gene: RYR2 (ryanodine receptor 2; plus strand). Cytogenetic location: 1q43.
Variant type: single nucleotide variant.
Coding change: c.274-5C>A on transcript NM_001035.3 (MANE Select); 5 bases into the intron before coding-DNA position 274, C replaced by A.
Molecular consequence: intron variant.
Genome position (GRCh38, 1-based): chr1:237,355,960, C>A. VCF-style: chr1-237355960-C-A. GRCh37 (hg19) VCF-style: chr1-237519260-C-A.
Identifiers: ClinVar variation 1116924 (VCV001116924.11), dbSNP rs768394710, ClinGen allele CA2499214582.
Genomic context (GRCh38, chr1:237,355,960, plus strand): 5'-CAGTAATTGAAACATTGCTAGGTATTTGTTTGTTTGTTATTTATTTTGGCTTTTTCTTTC[C>A]ACAGCAAGTTGATGTGGAAAAATGGGTATGTGTTTCCATGTATTTGCAAAGAAATTGTGA-3'